The following is an entry in ClinVar:

NM_000202.8(IDS):c.1563del (p.Glu521fs)

Gene: IDS (iduronate 2-sulfatase; minus strand). Cytogenetic location: Xq28.
Variant type: Deletion.
Coding change: c.1563del on transcript NM_000202.8 (MANE Select); coding-DNA position 1563, one base deleted (A; older notation c.1563delA).
Protein change: p.Glu521fs; shifts the reading frame from glutamic acid 521.
Molecular consequence: frameshift variant.
Genome position (GRCh38, 1-based): chrX:149,482,836, T deleted on the plus strand (A on the coding strand, the reverse complement: IDS is on the minus strand); the first of 2 consecutive T bases (chrX:149,482,836-149,482,837); deleting either gives the same sequence. VCF-style (leftmost placement, unchanged base first): chrX-149482835-GT-G. GRCh37 (hg19) VCF-style: chrX-148564366-GT-G.
Other names: c.1293del, p.Glu431fs (NM_001166550.4); short protein forms E431fs, E521fs.
Identifiers: ClinVar variation 3256084 (VCV003256084.2).

ClinVar aggregate classification (germline): Pathogenic (1 of 4 stars; one submission).

Conditions:
Mucopolysaccharidosis, MPS-II (MPS2). Also called: Hunter Syndrome; IDURONATE 2-SULFATASE DEFICIENCY; Mucopolysaccharidosis Type II; Mucopolysaccharidosis type 2; Attenuated MPS (subtype; formerly known as mild MPS II); Severe MPS II. Identifiers: Orphanet 580, Orphanet 79388, MedGen C0026705, MONDO:0010674, OMIM 309900.

Submission:

Laboratory of Diagnosis and Therapy of Lysosomal Disorders, University of Padova
Classification: Pathogenic for Mucopolysaccharidosis, MPS-II. Last evaluated: 2024-06-07. Review status: criteria provided, single submitter. Criteria: ACMG Guidelines, 2015. Collection method: literature only. Allele origin: germline. Affected: yes. Observed: 1 variant allele.
Comment: Null variant (PVS1_Strong), Absent from controls (or at low frequency) in gnomAD database (PM2_Moderate), Patient’s phenotype or family history highly specific for the disease (PP4_Strong)

Classification method: ACMG Guidelines [PMID:25741868] with modifications

Literature cited by the submitters: PubMed 27146977.